The following is an entry in ClinVar:

ClinVar aggregate classification (germline): Pathogenic/Likely pathogenic. Review status: criteria provided, multiple submitters, no conflicts (2 of 4 stars). 11 submissions from 11 submitters: Pathogenic (9); Likely pathogenic (2). Last evaluated 2025-11-24.

Conditions:
Pituitary adenoma 5, multiple types. Identifiers: MedGen C4539685, MONDO:0054601, OMIM 617540.
Usher syndrome type 1 (USH1). Also called: RETINITIS PIGMENTOSA AND CONGENITAL DEAFNESS. Identifiers: Orphanet 231169, Orphanet 886, MedGen C1568247, MONDO:0010168, OMIM 276900.
Autosomal recessive nonsyndromic hearing loss 12. Also called: DEAFNESS, AUTOSOMAL RECESSIVE 12. Identifiers: Orphanet 90636, MedGen C1832394, MONDO:0011067, OMIM 601386.
autosomal recessive CDH23-related disorders.
CDH23-related disorder. Also called: CDH23-related condition; CDH23-related disorders.
Usher syndrome type 1D (USH1D). Also called: USHER SYNDROME, TYPE ID. Identifiers: Orphanet 231169, Orphanet 886, MedGen C1832845, MONDO:0010984, OMIM 601067.

Submissions (11):

Natera, Inc.
Classification: Pathogenic for Usher syndrome type 1. Last evaluated: 2025-11-24. Review status: criteria provided, single submitter. Criteria: Natera Variant Classification Schema (03/2026). Collection method: clinical testing. Allele origin: germline.
Comment: The c.1087delG variant in CDH23 is a frameshift variant predicted to shift the reading frame beginning at codon 363 and leads to a stop codon 20 codons downstream. This variant is expected to result in nonsense mediated decay, truncation, or a dysfunctional protein product. This variant is rare in the general population with a frequency below the threshold expected for the associated phenotype(s). This variant has been observed in one or more individuals affected with the associated recessive disease, as either homozygous or compound heterozygous with a second variant (PMID: 12075507, 40603303). Given the available evidence, this variant is classified as Pathogenic.

PreventionGenetics, part of Exact Sciences
Classification: Pathogenic for CDH23-related condition. Last evaluated: 2025-08-29. Review status: criteria provided, single submitter. Criteria: ACMG Guidelines, 2015. Collection method: clinical testing. Allele origin: germline.
Comment: The CDH23 c.1087delG variant is predicted to result in a frameshift and premature protein termination (p.Val363Serfs*20). This variant has been reported in the homozygous state in an individual with Usher syndrome 1D (Astuto et al. 2002. PubMed ID: 12075507). This variant is reported in 0.029% of alleles in individuals of Latino descent in gnomAD. Frameshift variants in CDH23 are expected to be pathogenic. This variant is interpreted as pathogenic.

Variantyx, Inc.
Classification: Likely pathogenic for autosomal recessive CDH23-related disorders. Last evaluated: 2025-03-20. Review status: criteria provided, single submitter. Criteria: Variantyx Assertion Criteria 2022. Collection method: clinical testing. Allele origin: germline. Inheritance: Autosomal recessive inheritance.
Comment: This is a frameshift variant in the CDH23 gene (OMIM: 605516). Pathogenic variants in this gene have been associated with autosomal recessive CDH23-related disorders. This variant introduces a premature termination codon in exon 11 out of 70. It is expected to result in loss of function, which is a known disease mechanism for CDH23 in this disorder (PMID: 12075507 ) (PVS1). This variant has been reported in the homozygous or compound heterozygous state in at least one affected individual (PMID: 12075507 ) (PM3_Supporting). This variant has a 0.0291% maximum allele frequency in non-founder control populations (PM2). Based on the current evidence, this variant is classified as pathogenic for autosomal recessive CDH23-related disorders.

GeneDx
Classification: Pathogenic. Last evaluated: 2025-03-10. Review status: criteria provided, single submitter. Criteria: GeneDx Variant Classification Process June 2021. Collection method: clinical testing. Allele origin: germline. Affected: yes.
Comment: Frameshift variant predicted to result in protein truncation or nonsense mediated decay in a gene for which loss of function is a known mechanism of disease; This variant is associated with the following publications: (PMID: 12075507)

Labcorp Genetics (formerly Invitae), Labcorp
Classification: Pathogenic. Last evaluated: 2024-08-17. Review status: criteria provided, single submitter. Criteria: Invitae Variant Classification Sherloc (09022015). Collection method: clinical testing. Allele origin: germline.
Comment: This sequence change creates a premature translational stop signal (p.Val363Serfs*20) in the CDH23 gene. It is expected to result in an absent or disrupted protein product. Loss-of-function variants in CDH23 are known to be pathogenic (PMID: 11138009, 21940737). This variant is present in population databases (rs747955135, gnomAD 0.01%). This premature translational stop signal has been observed in individual(s) with Usher syndrome (PMID: 12075507). ClinVar contains an entry for this variant (Variation ID: 618009). For these reasons, this variant has been classified as Pathogenic.

Revvity Omics, Revvity
Classification: Pathogenic. Last evaluated: 2024-03-26. Review status: criteria provided, single submitter. Criteria: ACMG Guidelines, 2015. Collection method: clinical testing. Allele origin: germline.

Fulgent Genetics
Classification: Pathogenic for Usher syndrome type 1D; Autosomal recessive nonsyndromic hearing loss 12; Pituitary adenoma 5, multiple types. Last evaluated: 2024-01-02. Review status: criteria provided, single submitter. Criteria: ACMG Guidelines, 2015. Collection method: clinical testing. Allele origin: germline.

Baylor Genetics
Classification: Pathogenic for Pituitary adenoma 5, multiple types. Last evaluated: 2023-12-16. Review status: criteria provided, single submitter. Criteria: ACMG Guidelines, 2015. Collection method: clinical testing. Allele origin: unknown.

Blueprint Genetics
Classification: Pathogenic for CDH23-related disorders. Last evaluated: 2022-02-01. Review status: criteria provided, single submitter. Criteria: ACMG Guidelines, 2015. Collection method: clinical testing. Allele origin: germline. Affected: yes. Observed: 2 variant alleles.

ARUP Laboratories, Molecular Genetics and Genomics, ARUP Laboratories
Classification: Likely pathogenic. Last evaluated: 2018-04-24. Review status: criteria provided, single submitter. Criteria: ARUP Molecular Germline Variant Investigation Process. Collection method: clinical testing. Allele origin: germline.
Comment: The p.Val363fs variant (rs747955135) was reported in one homozygote patient with Usher Syndrome type I (Astuto 2002). This variant is listed in the Genome Aggregation Database (gnomAD) with a frequency of 0.01 percent in the Latino population (identified on 5 out of 33,582 chromosomes). This variant causes a frameshift by deleting a single nucleotide in exon 7 predicted to result in a truncated protein or mRNA subject to nonsense-mediated decay. Given the current evidence, this variant is considered to be likely pathogenic.

Wangler Lab, Baylor College of Medicine
Classification: Pathogenic for Autosomal recessive nonsyndromic hearing loss 12. Review status: criteria provided, single submitter. Criteria: ACMG Guidelines, 2015. Collection method: clinical testing. Allele origin: maternal. Inheritance: Autosomal recessive inheritance. Affected: yes. Observed: 1 compound heterozygote.
Comment: The frameshift CDH23 variant at c.1087del (p.V363Sfs*20) was seen on exome through the Texome project (R01HG011795). It was previously reported in individuals with Usher syndrome type 1(PMID: 12075507).This variant has not been observed in gnomAD (PM2). This frameshift variant is located in exon 11 of 70 and is predicted to be deleterious (PVS1). We classify this variant as pathogenic.

Literature cited by the submitters: PubMed 12075507 (cited by 4 submitters); PubMed 40603303 (cited by Natera, Inc.); PubMed 11138009 (cited by Labcorp Genetics (formerly Invitae), Labcorp); PubMed 21940737 (cited by Labcorp Genetics (formerly Invitae), Labcorp).

NM_022124.6(CDH23):c.1087del (p.Val363fs)

Gene: CDH23 (cadherin related 23; plus strand). Cytogenetic location: 10q22.1.
Variant type: Deletion.
Coding change: c.1087del on transcript NM_022124.6 (MANE Select); coding-DNA position 1087, one base deleted (G; older notation c.1087delG).
Protein change: p.Val363fs; shifts the reading frame from valine 363.
Molecular consequence: frameshift variant.
Genome position (GRCh38, 1-based): chr10:71,617,346, G deleted; the last of 2 consecutive G bases (chr10:71,617,345-71,617,346); deleting either gives the same sequence. VCF-style (leftmost placement, unchanged base first): chr10-71617344-AG-A. GRCh37 (hg19) VCF-style: chr10-73377101-AG-A.
Other names: c.1087del (NM_022124.5); c.1087del, p.Val363fs (NM_001171930.2, NM_001171931.2, NM_001171932.2 and 1 more transcripts); short protein forms V363fs.
Identifiers: ClinVar variation 618009 (VCV000618009.32), dbSNP rs747955135, ClinGen allele CA5543635.